The following is an entry in ClinVar:

ClinVar aggregate classification (germline): Uncertain significance. Review status: criteria provided, multiple submitters, no conflicts (2 of 4 stars). 2 submissions from 2 submitters: Uncertain significance (2). Last evaluated 2022-08-16.

Allele frequency attached by ClinVar (database versions not stated): 1000 Genomes Project 30x 0.00016.
gnomAD v4.1: 7 of 1,614,122 alleles (0.00043%); highest among the groups gnomAD compares: Admixed American, 0.0033%; no homozygotes.

Submissions (2):

Labcorp Genetics (formerly Invitae), Labcorp
Classification: Uncertain significance. Last evaluated: 2022-08-16. Review status: criteria provided, single submitter. Criteria: Invitae Variant Classification Sherloc (09022015). Collection method: clinical testing. Allele origin: germline.
Comment: This sequence change replaces arginine, which is basic and polar, with tryptophan, which is neutral and slightly polar, at codon 416 of the EIF2B4 protein (p.Arg416Trp). This variant is present in population databases (rs759071387, gnomAD 0.003%). This missense change has been observed in individual(s) with clinical features of leukoencephalopathy with vanishing white matter (PMID: 20016818). ClinVar contains an entry for this variant (Variation ID: 1417167). Algorithms developed to predict the effect of missense changes on protein structure and function (SIFT, PolyPhen-2, Align-GVGD) all suggest that this variant is likely to be disruptive. In summary, the available evidence is currently insufficient to determine the role of this variant in disease. Therefore, it has been classified as a Variant of Uncertain Significance.

Blueprint Genetics
Classification: Uncertain significance. Last evaluated: 2019-03-06. Review status: criteria provided, single submitter. Criteria: ACMG Guidelines, 2015. Collection method: clinical testing. Allele origin: germline.

Literature cited by the submitters: PubMed 20016818 (cited by Labcorp Genetics (formerly Invitae), Labcorp).

NM_001034116.2(EIF2B4):c.1249C>T (p.Arg417Trp)

Genes: EIF2B4 (eukaryotic translation initiation factor 2B subunit delta; minus strand), GTF3C2-AS2 (GTF3C2 antisense RNA 2; plus strand). Cytogenetic location: 2p23.3.
Variant type: single nucleotide variant.
Coding change: c.1249C>T on transcript NM_001034116.2 (MANE Select); coding-DNA position 1249, C replaced by T.
Protein change: p.Arg417Trp; replaces arginine 417 with tryptophan.
Molecular consequence: missense variant.
Genome position (GRCh38, 1-based): chr2:27,364,841, G>A on the plus strand (C>T on the coding strand, the complement: EIF2B4 is on the minus strand). VCF-style: chr2-27364841-G-A. GRCh37 (hg19) VCF-style: chr2-27587708-G-A.
Other names: c.1312C>T, p.Arg438Trp (NM_001318965.2); c.1204C>T, p.Arg402Trp (NM_001318966.2); c.1156C>T, p.Arg386Trp (NM_001318967.2); c.664C>T, p.Arg222Trp (NM_001318968.2); c.631C>T, p.Arg211Trp (NM_001318969.2); c.1246C>T, p.Arg416Trp (NM_015636.4); c.1309C>T, p.Arg437Trp (NM_172195.4); short protein forms R416W, R417W, R437W, R211W, R222W, R402W, R386W, R438W.
Identifiers: ClinVar variation 1417167 (VCV001417167.6), dbSNP rs759071387, ClinGen allele CA1576612.